The following is an entry in ClinVar:

NM_001105206.3(LAMA4):c.3696+13C>T

Gene: LAMA4 (laminin subunit alpha 4; minus strand). Cytogenetic location: 6q21.
Variant type: single nucleotide variant.
Coding change: c.3696+13C>T on transcript NM_001105206.3 (MANE Select); 13 bases into the intron after coding-DNA position 3696, C replaced by T.
Molecular consequence: intron variant.
Genome position (GRCh38, 1-based): chr6:112,133,336, G>A on the plus strand (C>T on the coding strand, the complement: LAMA4 is on the minus strand). VCF-style: chr6-112133336-G-A. GRCh37 (hg19) VCF-style: chr6-112454538-G-A.
Other names: c.3675+13C>T (NM_002290.5, NM_001105207.3).
Identifiers: ClinVar variation 669033 (VCV000669033.4), dbSNP rs782051116, ClinGen allele CA3965157.

ClinVar aggregate classification (germline): Likely benign. Review status: criteria provided, multiple submitters, no conflicts (2 of 4 stars). 3 submissions from 3 submitters: Likely benign (3). Last evaluated 2025-09-19.

Conditions:
Dilated cardiomyopathy 1JJ (CMD1JJ). Identifiers: Orphanet 154, MedGen C3808935, MONDO:0014095, OMIM 615235.

Allele frequency attached by ClinVar (database versions not stated): gnomAD exomes 0.00001; ExAC 0.00002; TOPMed 0.00005; gnomAD 0.00007 and 0.00008.
gnomAD v4.1: 22 of 1,613,256 alleles (0.0014%); highest among the groups gnomAD compares: African/African-American, 0.025%; 1 homozygote.

Submissions (3):

Women's Health and Genetics/Laboratory Corporation of America, LabCorp
Classification: Likely benign. Last evaluated: 2025-09-19. Review status: criteria provided, single submitter. Criteria: LabCorp Variant Classification Summary - May 2015. Collection method: clinical testing. Allele origin: germline.

Labcorp Genetics (formerly Invitae), Labcorp
Classification: Likely benign for Dilated cardiomyopathy 1JJ. Last evaluated: 2023-07-16. Review status: criteria provided, single submitter. Criteria: Invitae Variant Classification Sherloc (09022015). Collection method: clinical testing. Allele origin: germline.

GeneDx
Classification: Likely benign. Last evaluated: 2018-05-23. Review status: criteria provided, single submitter. Criteria: GeneDx Variant Classification (06012015). Collection method: clinical testing. Allele origin: germline. Affected: yes.
Comment: This variant is considered likely benign or benign based on one or more of the following criteria: it is a conservative change, it occurs at a poorly conserved position in the protein, it is predicted to be benign by multiple in silico algorithms, and/or has population frequency not consistent with disease.